The following is an entry in ClinVar:

NM_005502.4(ABCA1):c.2014C>T (p.Arg672Trp)

Gene: ABCA1 (ATP binding cassette subfamily A member 1; minus strand). Cytogenetic location: 9q31.1.
Variant type: single nucleotide variant.
Coding change: c.2014C>T on transcript NM_005502.4 (MANE Select); coding-DNA position 2014, C replaced by T.
Protein change: p.Arg672Trp; replaces arginine 672 with tryptophan.
Molecular consequence: missense variant.
Genome position (GRCh38, 1-based): chr9:104,829,017, G>A on the plus strand (C>T on the coding strand, the complement: ABCA1 is on the minus strand). VCF-style: chr9-104829017-G-A. GRCh37 (hg19) VCF-style: chr9-107591298-G-A.
Other names: short protein forms R672W.
Identifiers: ClinVar variation 1320030 (VCV001320030.6), dbSNP rs759576379, ClinGen allele CA5168843.
Genomic context (GRCh38, chr9:104,829,017, plus strand): 5'-GAATGAGGCTACTAATGAACCAGCTAAACCAGAGGATGCTGTTGTCCAGGCCCATGATCC[G>A]CATGGTCTCTTTCAGCCGTGCCTCCTTCTCATACACGATGCCCTTGATGATCACAGCCAC-3'
Protein context (NP_005493.2, residues 662-682): EKEARLKETM[Arg672Trp]IMGLDNSILW

ClinVar aggregate classification (germline): Uncertain significance (1 of 4 stars; one submission).

Allele frequency attached by ClinVar (database versions not stated): TOPMed 0.00003; gnomAD 0.00001; ExAC 0.00002; gnomAD exomes 0.00004.
gnomAD v4.1: 37 of 1,614,020 alleles (0.0023%); highest among the groups gnomAD compares: East Asian, 0.018%; no homozygotes.

Submission:

Labcorp Genetics (formerly Invitae), Labcorp
Classification: Uncertain significance. Last evaluated: 2024-08-31. Review status: criteria provided, single submitter. Criteria: Invitae Variant Classification Sherloc (09022015). Collection method: clinical testing. Allele origin: germline.
Comment: This sequence change replaces arginine, which is basic and polar, with tryptophan, which is neutral and slightly polar, at codon 672 of the ABCA1 protein (p.Arg672Trp). This variant is present in population databases (rs759576379, gnomAD 0.03%). This variant has not been reported in the literature in individuals affected with ABCA1-related conditions. ClinVar contains an entry for this variant (Variation ID: 1320030). Invitae Evidence Modeling of protein sequence and biophysical properties (such as structural, functional, and spatial information, amino acid conservation, physicochemical variation, residue mobility, and thermodynamic stability) indicates that this missense variant is expected to disrupt ABCA1 protein function with a positive predictive value of 80%. In summary, the available evidence is currently insufficient to determine the role of this variant in disease. Therefore, it has been classified as a Variant of Uncertain Significance.